The following is an entry in ClinVar:

ClinVar aggregate classification (germline): Uncertain significance. Review status: criteria provided, multiple submitters, no conflicts (2 of 4 stars). 2 submissions from 2 submitters: Uncertain significance (2). Last evaluated 2024-11-05.

Conditions:
Autosomal dominant familial hematuria-retinal arteriolar tortuosity-contractures syndrome. Also called: Angiopathy, hereditary, with nephropathy, aneurysms, and muscle cramps; Hereditary Angiopathy with Nephropathy, Aneurysms, and Muscle Cramps (HANAC) Syndrome. Identifiers: Orphanet 73229, MedGen C2673195, MONDO:0012726, OMIM 611773.
Hemorrhage, intracerebral, susceptibility to (ICH). Also called: Stroke, hemorrhagic, susceptibility to. Identifiers: MedGen C3281105, MONDO:0100533, OMIM 614519.
Microangiopathy and leukoencephalopathy, pontine, autosomal dominant. Also called: DEMENTIA, HEREDITARY MULTI-INFARCT, SWEDISH TYPE; Pontine autosomal dominant microangiopathy with leukoencephalopathy. Identifiers: Orphanet 477749, MedGen C5231411, MONDO:0032814, OMIM 618564.
Brain small vessel disease 1 with or without ocular anomalies (BSVD1). Also called: Brain small vessel disease with or without ocular anomalies; BRAIN SMALL VESSEL DISEASE WITH HEMORRHAGE; PORENCEPHALY, TYPE 1, AUTOSOMAL DOMINANT; GOULD SYNDROME 1. Identifiers: Orphanet 2940, Orphanet 36383, Orphanet 99810, MedGen C4755307, MONDO:0008289, OMIM 175780.
Retinal arterial tortuosity. Also called: RETINAL HEMORRHAGE WITH VASCULAR TORTUOSITY; Retinal arteries, tortuosity of. Identifiers: Orphanet 75326, MedGen C0423401, MONDO:0008373, OMIM 180000, HP:0000631.

Allele frequency attached by ClinVar (database versions not stated): TOPMed below 0.00001; ExAC 0.00001; gnomAD exomes 0.00001.
gnomAD v4.1: 3 of 1,614,078 alleles (0.00019%); highest among the groups gnomAD compares: Admixed American, 0.005%; no homozygotes.

Submissions (2):

Labcorp Genetics (formerly Invitae), Labcorp
Classification: Uncertain significance. Last evaluated: 2024-11-05. Review status: criteria provided, single submitter. Criteria: Invitae Variant Classification Sherloc (09022015). Collection method: clinical testing. Allele origin: germline.
Comment: This sequence change replaces glutamic acid, which is acidic and polar, with valine, which is neutral and non-polar, at codon 345 of the COL4A1 protein (p.Glu345Val). This variant is present in population databases (rs759988023, gnomAD 0.01%). This variant has not been reported in the literature in individuals affected with COL4A1-related conditions. ClinVar contains an entry for this variant (Variation ID: 2994743). Invitae Evidence Modeling of protein sequence and biophysical properties (such as structural, functional, and spatial information, amino acid conservation, physicochemical variation, residue mobility, and thermodynamic stability) indicates that this missense variant is not expected to disrupt COL4A1 protein function with a negative predictive value of 80%. In summary, the available evidence is currently insufficient to determine the role of this variant in disease. Therefore, it has been classified as a Variant of Uncertain Significance.

Fulgent Genetics
Classification: Uncertain significance for Brain small vessel disease 1 with or without ocular anomalies; Retinal arterial tortuosity; Autosomal dominant familial hematuria-retinal arteriolar tortuosity-contractures syndrome; Hemorrhage, intracerebral, susceptibility to; Microangiopathy and leukoencephalopathy, pontine, autosomal dominant. Last evaluated: 2024-05-08. Review status: criteria provided, single submitter. Criteria: ACMG Guidelines, 2015. Collection method: clinical testing. Allele origin: germline.

NM_001845.6(COL4A1):c.1034A>T (p.Glu345Val)

Gene: COL4A1 (collagen type IV alpha 1 chain; minus strand). Cytogenetic location: 13q34.
Variant type: single nucleotide variant.
Coding change: c.1034A>T on transcript NM_001845.6 (MANE Select); coding-DNA position 1034, A replaced by T.
Protein change: p.Glu345Val; replaces glutamic acid 345 with valine.
Molecular consequence: missense variant.
Genome position (GRCh38, 1-based): chr13:110,201,488, T>A on the plus strand (A>T on the coding strand, the complement: COL4A1 is on the minus strand). VCF-style: chr13-110201488-T-A. GRCh37 (hg19) VCF-style: chr13-110853835-T-A.
Other names: c.1034A>T, p.Glu345Val (NM_001303110.2); short protein forms E345V.
Identifiers: ClinVar variation 2994743 (VCV002994743.4), dbSNP rs759988023, ClinGen allele CA7048109.